The following is an entry in ClinVar:

ClinVar aggregate classification (germline): Uncertain significance. Review status: criteria provided, multiple submitters, no conflicts (2 of 4 stars). 2 submissions from 2 submitters: Uncertain significance (2). Last evaluated 2026-01-27.

Allele frequency attached by ClinVar (database versions not stated): gnomAD exomes 0.00002 and 0.00004; ExAC 0.00003; gnomAD 0.00005 and 0.00006; TOPMed 0.00005.
gnomAD v4.1: 50 of 1,614,014 alleles (0.0031%); highest among the groups gnomAD compares: Middle Eastern, 0.017%; 1 homozygote.

Submissions (3):

Labcorp Genetics (formerly Invitae), Labcorp
Classification: Uncertain significance. Last evaluated: 2026-01-27. Review status: criteria provided, single submitter. Criteria: Invitae Variant Classification Sherloc (09022015). Collection method: clinical testing. Allele origin: germline.
Comment: This sequence change replaces alanine, which is neutral and non-polar, with valine, which is neutral and non-polar, at codon 287 of the ANKZF1 protein (p.Ala287Val). This variant is present in population databases (rs781043448, gnomAD 0.007%). This variant has not been reported in the literature in individuals affected with ANKZF1-related conditions. ClinVar contains an entry for this variant (Variation ID: 1386083). An algorithm developed to predict the effect of missense changes on protein structure and function outputs the following: PolyPhen-2: "Benign". The valine amino acid residue is found in multiple mammalian species, which suggests that this missense change does not adversely affect protein function. In summary, the available evidence is currently insufficient to determine the role of this variant in disease. Therefore, it has been classified as a Variant of Uncertain Significance.

Ambry Genetics
Classification: Uncertain significance. Last evaluated: 2025-04-03. Review status: criteria provided, single submitter. Criteria: Ambry Variant Classification Scheme 2023. Collection method: clinical testing. Allele origin: germline.

Dr. Peter K. Rogan Lab, Western University
No classification provided (evidence only). Condition: Ovarian serous cystadenocarcinoma. Review status: no classification provided. Collection method: in vitro. Allele origin: not applicable. Functional consequence: retained intron. Not counted in ClinVar's aggregate classification.

NM_018089.3(ANKZF1):c.860C>T (p.Ala287Val)

Gene: ANKZF1 (ankyrin repeat and zinc finger peptidyl tRNA hydrolase 1; plus strand). Cytogenetic location: 2q35.
Variant type: single nucleotide variant.
Coding change: c.860C>T on transcript NM_018089.3 (MANE Select); coding-DNA position 860, C replaced by T.
Protein change: p.Ala287Val; replaces alanine 287 with valine.
Molecular consequence: missense variant.
Genome position (GRCh38, 1-based): chr2:219,233,755, C>T. VCF-style: chr2-219233755-C-T. GRCh37 (hg19) VCF-style: chr2-220098477-C-T.
Other names: c.860C>T, p.Ala287Val (NM_001042410.2); c.230C>T, p.Ala77Val (NM_001282792.2); c.860C>T (NM_018089.2); short protein forms A287V, A77V.
Identifiers: ClinVar variation 1386083 (VCV001386083.8), dbSNP rs781043448, ClinGen allele CA2120891.
Genomic context (GRCh38, chr2:219,233,755, plus strand): 5'-TGAGTTACTCTCTTCTCTAGGATGTTCGTGACCTGCTGGCAGGGCCAAGCTGGGCTAAGG[C>T]GCTGGAGGAGGCTGGTACAATACTGTTGCGTGCTCCCCGCTCTGGCCGGTCTTTGTTCTT-3'
Protein context (NP_060559.2, residues 277-297): DLLAGPSWAK[Ala287Val]LEEAGTILLR